The following is an entry in ClinVar:

ClinVar aggregate classification (germline): Uncertain significance (1 of 4 stars; one submission).

Conditions:
Progressive familial heart block type IB (PFHB1B). Identifiers: Orphanet 871, MedGen C1970298, MONDO:0011474, OMIM 604559.

Submission:

Labcorp Genetics (formerly Invitae), Labcorp
Classification: Uncertain significance for Progressive familial heart block type IB. Last evaluated: 2025-12-19. Review status: criteria provided, single submitter. Criteria: Invitae Variant Classification Sherloc (09022015). Collection method: clinical testing. Allele origin: germline.
Comment: This sequence change creates a premature translational stop signal (p.Asp670Glufs*7) in the TRPM4 gene. It is expected to result in an absent or disrupted protein product. However, the current clinical and genetic evidence is not sufficient to establish whether loss-of-function variants in TRPM4 cause disease. This variant is present in population databases (no rsID available, gnomAD 0.0009%). This variant has not been reported in the literature in individuals affected with TRPM4-related conditions. In summary, the available evidence is currently insufficient to determine the role of this variant in disease. Therefore, it has been classified as a Variant of Uncertain Significance.

NM_017636.4(TRPM4):c.2010del (p.Asp670fs)

Gene: TRPM4 (transient receptor potential cation channel subfamily M member 4; plus strand). Cytogenetic location: 19q13.33.
Variant type: Deletion.
Coding change: c.2010del on transcript NM_017636.4 (MANE Select); coding-DNA position 2010, one base deleted (T; older notation c.2010delT).
Protein change: p.Asp670fs; shifts the reading frame from aspartic acid 670.
Molecular consequence: frameshift variant.
Genome position (GRCh38, 1-based): chr19:49,189,082, T deleted. VCF-style (leftmost placement, unchanged base first): chr19-49189081-AT-A. GRCh37 (hg19) VCF-style: chr19-49692338-AT-A.
Other names: c.2010del, p.Asp670fs (NM_001195227.2); c.1665del, p.Asp555fs (NM_001321281.2); c.402del, p.Asp134fs (NM_001321282.2); c.1488del, p.Asp496fs (NM_001321283.2); c.948del, p.Asp316fs (NM_001321285.2); short protein forms D496fs, D316fs, D134fs, D555fs, D670fs.
Identifiers: ClinVar variation 4771462 (VCV004771462.1).